The following is an entry in ClinVar:

NM_172364.5(CACNA2D4):c.-7_12del (p.Met1fs)

Gene: CACNA2D4 (calcium voltage-gated channel auxiliary subunit alpha2delta 4; minus strand). Cytogenetic location: 12p13.33.
Variant type: Deletion.
Coding change: c.-7_12del on transcript NM_172364.5 (MANE Select); 7 bases upstream of the start codon through coding-DNA position 12, 19 bases deleted (AGAGCTCATGGTCTGTGGC).
Protein change: p.Met1fs; shifts the reading frame from methionine 1.
Molecular consequence: frameshift variant, initiator codon variant.
Genome position (GRCh38, 1-based): chr12:1,918,462-1,918,480, GCCACAGACCATGAGCTCT deleted on the plus strand (AGAGCTCATGGTCTGTGGC on the coding strand, the reverse complement: CACNA2D4 is on the minus strand); deleting any 19 consecutive bases within chr12:1,918,462-1,918,481 gives the same sequence; the c. name uses the placement nearest the transcript's 3' end. VCF-style (leftmost placement, unchanged base first): chr12-1918461-AGCCACAGACCATGAGCTCT-A. GRCh37 (hg19) VCF-style: chr12-2027627-AGCCACAGACCATGAGCTCT-A.
Other names: short protein forms M1fs.
Identifiers: ClinVar variation 957610 (VCV000957610.8), dbSNP rs1867053357, ClinGen allele CA944049352.
Genomic context (GRCh38, chr12:1,918,461, plus strand): 5'-GGAAGTTGGGAGTTGCAGGCATGGTGGGCCTGGGGTTGGGGAGGGGAAGGAGGGCAGAGC[AGCCACAGACCATGAGCTCT>A]GTCTGCCTTCCTCCCAGACCCCAGGACGCCCCAGGCCTTTGTCTTCCGTGCCTTGGCGAG-3'

ClinVar aggregate classification (germline): Uncertain significance (1 of 4 stars; one submission).

Submission:

Labcorp Genetics (formerly Invitae), Labcorp
Classification: Uncertain significance. Last evaluated: 2022-10-13. Review status: criteria provided, single submitter. Criteria: Invitae Variant Classification Sherloc (09022015). Collection method: clinical testing. Allele origin: germline.
Comment: This sequence change affects the initiator methionine of the CACNA2D4 mRNA. The next in-frame methionine is located at codon 18. This variant is not present in population databases (gnomAD no frequency). This variant has not been reported in the literature in individuals affected with CACNA2D4-related conditions. ClinVar contains an entry for this variant (Variation ID: 957610). Experimental studies and prediction algorithms are not available or were not evaluated, and the functional significance of this variant is currently unknown. In summary, the available evidence is currently insufficient to determine the role of this variant in disease. Therefore, it has been classified as a Variant of Uncertain Significance.